The following is an entry in ClinVar:

NM_000038.6(APC):c.6373_6376del (p.Ser2125fs)

Gene: APC (APC regulator of Wnt signaling pathway; plus strand). Cytogenetic location: 5q22.2.
Variant type: Deletion.
Coding change: c.6373_6376del on transcript NM_000038.6 (MANE Select); coding-DNA positions 6373 to 6376, 4 bases deleted (TCTA; older notation c.6373_6376delTCTA).
Protein change: p.Ser2125fs; shifts the reading frame from serine 2125.
Molecular consequence: frameshift variant.
Genome position (GRCh38, 1-based): chr5:112,841,967-112,841,970, TCTA deleted; deleting any 4 consecutive bases within chr5:112,841,965-112,841,970 gives the same sequence; the c. name uses the placement nearest the transcript's 3' end. VCF-style (leftmost placement, unchanged base first): chr5-112841964-TTATC-T. GRCh37 (hg19) VCF-style: chr5-112177661-TTATC-T.
Other names: c.6373_6376del, p.Ser2125fs (NM_001127510.3, NM_001354895.2); c.6319_6322del, p.Ser2107fs (NM_001127511.3); c.6427_6430del, p.Ser2143fs (NM_001354896.2); c.6403_6406del, p.Ser2135fs (NM_001354897.2); c.6298_6301del, p.Ser2100fs (NM_001354898.2); c.6289_6292del, p.Ser2097fs (NM_001354899.2); c.6250_6253del, p.Ser2084fs (NM_001354900.2); c.6196_6199del, p.Ser2066fs (NM_001354901.2); and 5 more; short protein forms S1842fs, S2066fs, S2024fs, S2097fs, S2100fs, S2125fs, S2135fs, S2143fs.
Identifiers: ClinVar variation 142500 (VCV000142500.3), dbSNP rs587782505, ClinGen allele CA011114.

ClinVar aggregate classification (germline): Pathogenic (1 of 4 stars; one submission).

Conditions:
Hereditary cancer-predisposing syndrome. Also called: Hereditary Cancer Syndrome; Neoplastic Syndromes, Hereditary; Hereditary neoplastic syndrome; Tumor predisposition. Identifiers: Orphanet 140162, MedGen C0027672, MeSH D009386, MONDO:0015356.

Submission:

Ambry Genetics
Classification: Pathogenic for Hereditary cancer-predisposing syndrome. Last evaluated: 2013-05-09. Review status: criteria provided, single submitter. Criteria: Ambry Autosomal Dominant and X-Linked criteria (10/2015). Collection method: clinical testing. Allele origin: germline. Observed: 1 variant allele.
Comment: This alteration occurs at the 3' terminus of theâ€¯APC gene and is not expected to trigger nonsense-mediated mRNA decay. However, premature stop codons are typically deleterious in nature, the impacted region is critical for protein function, and a significant portion of the protein is affected (Ambry internal data). Based on the supporting evidence, this alteration is interpreted as a disease-causing mutation.